The following is an entry in ClinVar:

ClinVar aggregate classification (germline): Benign. Review status: criteria provided, multiple submitters, no conflicts (2 of 4 stars). 3 submissions from 3 submitters: Benign (2). 1 of the submissions does not count toward it. Last evaluated 2018-11-12.

Allele frequency attached by ClinVar (database versions not stated): 1000 Genomes Project 30x 0.70191; 1000 Genomes Project 0.71186; TOPMed 0.73176; gnomAD 0.74406 and 0.75204; ESP Exome Variant Server 0.76502; gnomAD exomes 0.82491 and 0.86631; ExAC 0.82563.
gnomAD v4.1: 1,379,668 of 1,613,816 alleles (85%); highest among the groups gnomAD compares: South Asian, 93%; 597,291 homozygotes.

Submissions (3):

GeneDx
Classification: Benign. Last evaluated: 2018-11-12. Review status: criteria provided, single submitter. Criteria: GeneDx Variant Classification Process June 2021. Collection method: clinical testing. Allele origin: germline. Affected: yes.

Breakthrough Genomics
Classification: Benign. Review status: criteria provided, single submitter. Criteria: ACMG Guidelines, 2015. Collection method: not provided. Allele origin: germline. Inheritance: Unknown mechanism. Affected: yes.

Genetic Services Laboratory, University of Chicago
Classification: Likely benign for AllHighlyPenetrant. Review status: no assertion criteria provided. Collection method: clinical testing. Allele origin: germline. Inheritance: Autosomal dominant inheritance. Not counted in ClinVar's aggregate classification.
Comment: Likely benign based on allele frequency in 1000 Genomes Project or ESP global frequency and its presence in a patient with a rare or unrelated disease phenotype. NOT Sanger confirmed.

NM_014832.5(TBC1D4):c.2455G>A (p.Val819Ile)

Gene: TBC1D4 (TBC1 domain family member 4; minus strand). Cytogenetic location: 13q22.2.
Variant type: single nucleotide variant.
Coding change: c.2455G>A on transcript NM_014832.5 (MANE Select); coding-DNA position 2455, G replaced by A.
Protein change: p.Val819Ile; replaces valine 819 with isoleucine.
Molecular consequence: missense variant.
Genome position (GRCh38, 1-based): chr13:75,310,080, C>T on the plus strand (G>A on the coding strand, the complement: TBC1D4 is on the minus strand). VCF-style: chr13-75310080-C-T. GRCh37 (hg19) VCF-style: chr13-75884216-C-T.
Other names: c.2431G>A, p.Val811Ile (NM_001286658.2); c.2266G>A, p.Val756Ile (NM_001286659.2); short protein forms V819I, V811I, V756I.
Identifiers: ClinVar variation 130549 (VCV000130549.9), dbSNP rs1062087, ClinGen allele CA214715.